The following is an entry in ClinVar:

NM_015374.3(SUN2):c.778G>A (p.Gly260Ser)

Gene: SUN2 (Sad1 and UNC84 domain containing 2; minus strand). Cytogenetic location: 22q13.1.
Variant type: single nucleotide variant.
Coding change: c.778G>A on transcript NM_015374.3 (MANE Select); coding-DNA position 778, G replaced by A.
Protein change: p.Gly260Ser; replaces glycine 260 with serine.
Molecular consequence: missense variant. On other transcripts: intron variant (2).
Genome position (GRCh38, 1-based): chr22:38,745,719, C>T on the plus strand (G>A on the coding strand, the complement: SUN2 is on the minus strand). VCF-style: chr22-38745719-C-T. GRCh37 (hg19) VCF-style: chr22-39141724-C-T.
Other names: c.841G>A, p.Gly281Ser (NM_001199579.2, NM_001394428.1); c.778G>A, p.Gly260Ser (NM_001199580.2, NM_001394431.1, NM_001394432.1 and 6 more transcripts); c.871G>A, p.Gly291Ser (NM_001394427.1); c.823G>A, p.Gly275Ser (NM_001394429.1, NM_001394430.1); c.688G>A, p.Gly230Ser (NM_001394438.1); c.640G>A, p.Gly214Ser (NM_001394439.1, NM_001394440.1, NM_001394441.1); c.286G>A, p.Gly96Ser (NM_001394443.1); c.614+4047G>A (NM_001394444.1, NM_001394445.1); short protein forms G230S, G260S, G291S, G281S, G214S, G275S, G96S.
Identifiers: ClinVar variation 2762490 (VCV002762490.3), dbSNP rs370773838, ClinGen allele CA411585744.
Genomic context (GRCh38, chr22:38,745,719, plus strand): 5'-GGAGCTACCACCCTCAGAGACTCACCTGGAAATGTGGCGATGAGTCTCTGGCTTCCCAGC[C>T]CTCATCCGGCCTCCTGCTGTCCTTCGCTGCCCACCAGGAAACCAAAGCAGGGTGGAATGT-3'
Protein context (NP_056189.1, residues 250-270): AAKDSRRPDE[Gly260Ser]WEARDSSPHF

ClinVar aggregate classification (germline): Uncertain significance (1 of 4 stars; one submission).

Conditions:
Emery-Dreifuss muscular dystrophy (EDMD). Also called: Scapuloperoneal syndrome, X-linked (formerly); Humeroperoneal neuromuscular disease, (formerly). Identifiers: Orphanet 261, MedGen C0410189, MONDO:0016830.

Submission:

Labcorp Genetics (formerly Invitae), Labcorp
Classification: Uncertain significance for Emery-Dreifuss muscular dystrophy. Last evaluated: 2025-03-05. Review status: criteria provided, single submitter. Criteria: Invitae Variant Classification Sherloc (09022015). Collection method: clinical testing. Allele origin: germline.
Comment: This sequence change replaces glycine, which is neutral and non-polar, with serine, which is neutral and polar, at codon 260 of the SUN2 protein (p.Gly260Ser). This variant is not present in population databases (gnomAD no frequency). This variant has not been reported in the literature in individuals affected with SUN2-related conditions. ClinVar contains an entry for this variant (Variation ID: 2762490). An algorithm developed to predict the effect of missense changes on protein structure and function (PolyPhen-2) suggests that this variant is likely to be tolerated. In summary, the available evidence is currently insufficient to determine the role of this variant in disease. Therefore, it has been classified as a Variant of Uncertain Significance.